The following is an entry in ClinVar:

NM_201548.5(CERKL):c.967_968del (p.Met323fs)

Gene: CERKL (CERK like autophagy regulator; minus strand). Cytogenetic location: 2q31.3.
Variant type: Deletion.
Coding change: c.967_968del on transcript NM_201548.5 (MANE Select); coding-DNA positions 967 to 968, 2 bases deleted (AT; older notation c.967_968delAT).
Protein change: p.Met323fs; shifts the reading frame from methionine 323.
Molecular consequence: frameshift variant. On other transcripts: non-coding transcript variant (2).
Genome position (GRCh38, 1-based): chr2:181,548,785-181,548,786, AT deleted on the plus strand (AT on the coding strand, the reverse complement: CERKL is on the minus strand). VCF-style (leftmost placement, unchanged base first): chr2-181548784-CAT-C. GRCh37 (hg19) VCF-style: chr2-182413511-CAT-C.
Other names: c.1045_1046del, p.Met349fs (NM_001030311.3); c.628_629del, p.Met210fs (NM_001030312.3); c.760_761del, p.Met254fs (NM_001030313.3); c.913_914del, p.Met305fs (NM_001160277.2); c.1045_1046delAT (NM_001030311.2); c.967_968del (NM_201548.4); short protein forms M349fs, M323fs, M210fs, M305fs, M254fs.
Identifiers: ClinVar variation 236491 (VCV000236491.21), dbSNP rs750151209, ClinGen allele CA501215.

ClinVar aggregate classification (germline): Pathogenic. Review status: criteria provided, multiple submitters, no conflicts (2 of 4 stars). 10 submissions from 10 submitters: Pathogenic (9). 1 of the submissions does not count toward it. Last evaluated 2026-01-13.

Conditions:
CERKL-related disorders.
Retinal dystrophy. Also called: Inherited retinal dystrophy. Identifiers: Orphanet 71862, MedGen C0854723, MeSH D058499, MONDO:0019118, HP:0000556.
Retinitis pigmentosa 26 (RP26). Identifiers: Orphanet 791, MedGen C1842127, MONDO:0012024, OMIM 608380.

Allele frequency attached by ClinVar (database versions not stated): gnomAD exomes 0.00001; ExAC 0.00002.

Submissions (10):

Labcorp Genetics (formerly Invitae), Labcorp
Classification: Pathogenic. Last evaluated: 2026-01-13. Review status: criteria provided, single submitter. Criteria: Invitae Variant Classification Sherloc (09022015). Collection method: clinical testing. Allele origin: germline.
Comment: This sequence change creates a premature translational stop signal (p.Met349Valfs*20) in the CERKL gene. It is expected to result in an absent or disrupted protein product. Loss-of-function variants in CERKL are known to be pathogenic (PMID: 14681825, 23591405, 24043777). This variant is present in population databases (rs750151209, gnomAD 0.01%). This premature translational stop signal has been observed in individuals with CERKL-related disease (PMID: 27208204, 28130426, 28838317). It has also been observed to segregate with disease in related individuals. ClinVar contains an entry for this variant (Variation ID: 236491). For these reasons, this variant has been classified as Pathogenic.

Natera, Inc.
Classification: Pathogenic for Retinitis Pigmentosa 26. Last evaluated: 2025-06-16. Review status: criteria provided, single submitter. Criteria: Natera Variant Classification Schema (03/2026). Collection method: clinical testing. Allele origin: germline.
Comment: The c.1045_1046delAT variant in CERKL is a frameshift variant predicted to shift the reading frame beginning at codon 349 and leads to a stop codon 20 codons downstream. This variant is expected to result in nonsense mediated decay, truncation, or a dysfunctional protein product. This variant is rare in the general population with a frequency below the threshold expected for the associated phenotype(s). This variant has been observed in one or more individuals affected with the associated recessive disease, as either homozygous or compound heterozygous with a second variant (PMID: 28130426). This variant has been observed to segregate in affected family members (PMID: 28130426). Given the available evidence, this variant is classified as Pathogenic.

GeneDx
Classification: Pathogenic. Last evaluated: 2025-06-10. Review status: criteria provided, single submitter. Criteria: GeneDx Variant Classification Process June 2021. Collection method: clinical testing. Allele origin: germline. Affected: yes.
Comment: Frameshift variant predicted to result in protein truncation or nonsense mediated decay in a gene for which loss-of-function is a known mechanism of disease; Not observed at a significant frequency in large population cohorts (gnomAD); This variant is associated with the following publications: (PMID: 28838317, 36648511, 31964843, 28005406, 34906470, 28130426, 27208204, 33322828, 32865075, 31816670)

Blueprint Genetics
Classification: Pathogenic for CERKL-related disorders. Last evaluated: 2024-11-13. Review status: criteria provided, single submitter. Criteria: ACMG Guidelines, 2015. Collection method: clinical testing. Allele origin: germline. Affected: yes. Observed: 5 variant alleles.

Fulgent Genetics
Classification: Pathogenic for Retinitis pigmentosa 26. Last evaluated: 2024-06-06. Review status: criteria provided, single submitter. Criteria: ACMG Guidelines, 2015. Collection method: clinical testing. Allele origin: germline.

Baylor Genetics
Classification: Pathogenic for Retinitis pigmentosa 26. Last evaluated: 2024-03-19. Review status: criteria provided, single submitter. Criteria: ACMG Guidelines, 2015. Collection method: clinical testing. Allele origin: unknown.

Institute of Human Genetics, Univ. Regensburg, Univ. Regensburg
Classification: Pathogenic for Retinal dystrophy. Last evaluated: 2023-01-01. Review status: criteria provided, single submitter. Criteria: ACMG Guidelines, 2015. Collection method: clinical testing. Allele origin: germline. Affected: yes.

Victorian Clinical Genetics Services, Murdoch Childrens Research Institute
Classification: Pathogenic for Retinitis pigmentosa 26. Last evaluated: 2022-02-02. Review status: criteria provided, single submitter. Criteria: ACMG Guidelines, 2015. Collection method: clinical testing. Allele origin: germline. Inheritance: Autosomal recessive inheritance.
Comment: Based on the classification scheme VCGS_Germline_v1.3.4, this variant is classified as Pathogenic. Following criteria are met: 0102 - Loss of function is a known mechanism of disease in this gene and is associated with retinitis pigmentosa 26 (MIM#608380). (I) 0106 - This gene is associated with autosomal recessive disease. (I) 0201 - Variant is predicted to cause nonsense-mediated decay (NMD) and loss of protein (premature termination codon is located at least 54 nucleotides upstream of the final exon-exon junction). (SP) 0252 - This variant is homozygous. (I) 0304 - Variant is present in gnomAD (v2) <0.01 for a recessive condition (3 heterozygotes, 0 homozygotes). (SP) 0701 - Other NMD-predicted variants comparable to the one identified in this case have very strong previous evidence for pathogenicity. Multiple NMD-predicted variants have been reported as pathogenic in ClinVar. (SP) 0801 - This variant has strong previous evidence of pathogenicity in unrelated individuals. This variant has been previously reported as pathogenic in patients with retinitis pigmentosa (ClinVar, PMID: 28130426, 27208204, 28838317). (SP) 1208 - Inheritance information for this variant is not currently available in this individual. (I) Legend: (SP) - Supporting pathogenic, (I) - Information, (SB) - Supporting benign

Ocular Genomics Institute, Massachusetts Eye and Ear
Classification: Pathogenic for Retinitis pigmentosa 26. Last evaluated: 2021-04-08. Review status: criteria provided, single submitter. Criteria: ACMG Guidelines, 2015. Collection method: research. Allele origin: germline. Affected: yes.
Comment: Through a review of available evidence we were able to apply the following criteria: PVS1, PP1-S, PM2, PM3. Based on this evidence we have classified this variant as Pathogenic.

Centre for Genomic Medicine, Manchester, Central Manchester University Hospitals
Classification: Likely pathogenic for Retinal dystrophy. Review status: no assertion criteria provided. Collection method: clinical testing. Allele origin: germline. Affected: yes. Not counted in ClinVar's aggregate classification.

Literature cited by the submitters: PubMed 14681825 (cited by Labcorp Genetics (formerly Invitae), Labcorp); PubMed 23591405 (cited by Labcorp Genetics (formerly Invitae), Labcorp); PubMed 24043777 (cited by Labcorp Genetics (formerly Invitae), Labcorp); PubMed 27208204 (cited by 4 submitters); PubMed 28130426 (cited by 4 submitters); PubMed 28838317 (cited by 4 submitters); PubMed 28005406 (cited by Institute of Human Genetics, Univ. Regensburg, Univ. Regensburg); PubMed 33322828 (cited by Institute of Human Genetics, Univ. Regensburg, Univ. Regensburg); PubMed 31964843 (cited by Institute of Human Genetics, Univ. Regensburg, Univ. Regensburg); PubMed 32865075 (cited by Institute of Human Genetics, Univ. Regensburg, Univ. Regensburg); PubMed 31816670 (cited by Institute of Human Genetics, Univ. Regensburg, Univ. Regensburg).